The following is an entry in ClinVar:

NM_024996.7(GFM1):c.1495T>G (p.Leu499Val)

Gene: GFM1 (G elongation factor mitochondrial 1; plus strand). Cytogenetic location: 3q25.32.
Variant type: single nucleotide variant.
Coding change: c.1495T>G on transcript NM_024996.7 (MANE Select); coding-DNA position 1495, T replaced by G.
Protein change: p.Leu499Val; replaces leucine 499 with valine.
Molecular consequence: missense variant. On other transcripts: non-coding transcript variant (4).
Genome position (GRCh38, 1-based): chr3:158,665,451, T>G. VCF-style: chr3-158665451-T-G. GRCh37 (hg19) VCF-style: chr3-158383240-T-G.
Other names: c.811T>G, p.Leu271Val (NM_001374361.1); c.1552T>G, p.Leu518Val (NM_001308164.2); c.1495T>G, p.Leu499Val (NM_001308166.2); c.1414T>G, p.Leu472Val (NM_001374355.1); c.1378T>G, p.Leu460Val (NM_001374356.1); c.1270T>G, p.Leu424Val (NM_001374357.1); c.1036T>G, p.Leu346Val (NM_001374358.1); c.928T>G, p.Leu310Val (NM_001374359.1, NM_001374360.1); short protein forms L346V, L499V, L271V, L310V, L518V, L424V, L460V, L472V.
Identifiers: ClinVar variation 5006574 (VCV005006574.2).

ClinVar aggregate classification (germline): Uncertain significance (1 of 4 stars; one submission).

Conditions:
Hepatoencephalopathy due to combined oxidative phosphorylation defect type 1. Also called: HEPATOENCEPHALOPATHY, EARLY FATAL PROGRESSIVE. Identifiers: Orphanet 137681, MedGen C1836797, MONDO:0012191, OMIM 609060.

Submission:

Juno Genomics, Hangzhou Juno Genomics, Inc
Classification: Uncertain significance for Hepatoencephalopathy due to combined oxidative phosphorylation defect type 1. Review status: criteria provided, single submitter. Criteria: ACMG Guidelines, 2015. Collection method: clinical testing. Allele origin: germline.
Comment: Absent from controls (or at extremely low frequency if recessive) in Genome Aggregation Database.;Multiple lines of computational evidence support a deleterious effect on the gene or gene product.